The following is an entry in ClinVar:

NM_004519.4(KCNQ3):c.575A>C (p.Lys192Thr)

Gene: KCNQ3 (potassium voltage-gated channel subfamily Q member 3; minus strand). Cytogenetic location: 8q24.22.
Variant type: single nucleotide variant.
Coding change: c.575A>C on transcript NM_004519.4 (MANE Select); coding-DNA position 575, A replaced by C.
Protein change: p.Lys192Thr; replaces lysine 192 with threonine.
Molecular consequence: missense variant.
Genome position (GRCh38, 1-based): chr8:132,184,270, T>G on the plus strand (A>C on the coding strand, the complement: KCNQ3 is on the minus strand). VCF-style: chr8-132184270-T-G. GRCh37 (hg19) VCF-style: chr8-133196517-T-G.
Other names: c.215A>C, p.Lys72Thr (NM_001204824.2); short protein forms K72T, K192T.
Identifiers: ClinVar variation 2781206 (VCV002781206.3), dbSNP rs2536959537, ClinGen allele CA372291094.
Genomic context (GRCh38, chr8:132,184,270, plus strand): 5'-GGAGGCTGGGAGGCTCAGGGTCAGGACTTACCCAACATGCACAGGGGCTTCCTGGCAAAC[T>G]TCAGTCGGCCCCGCCAGCCTTTGTATCGGCAGCAACATCCAGCAGCCCAGATCCTCAAAG-3'
Protein context (NP_004510.1, residues 182-202): CRYKGWRGRL[Lys192Thr]FARKPLCMLD

ClinVar aggregate classification (germline): Uncertain significance (1 of 4 stars; one submission).

Conditions:
Benign neonatal seizures. Also called: Benign neonatal familial convulsions; Benign familial neonatal epilepsy; Convulsions benign familial neonatal dominant form; Autosomal dominant form of benign neonatal seizures; Benign familial neonatal seizures. Identifiers: Orphanet 1949, MedGen C0220669, MONDO:0016027.

Submission:

Labcorp Genetics (formerly Invitae), Labcorp
Classification: Uncertain significance for Benign neonatal seizures. Last evaluated: 2024-03-26. Review status: criteria provided, single submitter. Criteria: Invitae Variant Classification Sherloc (09022015). Collection method: clinical testing. Allele origin: germline.
Comment: This sequence change replaces lysine, which is basic and polar, with threonine, which is neutral and polar, at codon 192 of the KCNQ3 protein (p.Lys192Thr). This variant is not present in population databases (gnomAD no frequency). This variant has not been reported in the literature in individuals affected with KCNQ3-related conditions. Advanced modeling of protein sequence and biophysical properties (such as structural, functional, and spatial information, amino acid conservation, physicochemical variation, residue mobility, and thermodynamic stability) performed at Invitae indicates that this missense variant is not expected to disrupt KCNQ3 protein function with a negative predictive value of 80%. In summary, the available evidence is currently insufficient to determine the role of this variant in disease. Therefore, it has been classified as a Variant of Uncertain Significance.